The following is an entry in ClinVar:

NM_005422.4(TECTA):c.706A>G (p.Thr236Ala)

Genes: TBCEL-TECTA (TBCEL-TECTA readthrough; plus strand), TECTA (tectorin alpha; plus strand). Cytogenetic location: 11q23.3.
Variant type: single nucleotide variant.
Coding change: c.706A>G on transcript NM_005422.4 (MANE Select); coding-DNA position 706, A replaced by G.
Protein change: p.Thr236Ala; replaces threonine 236 with alanine.
Molecular consequence: missense variant.
Genome position (GRCh38, 1-based): chr11:121,113,634, A>G. VCF-style: chr11-121113634-A-G. GRCh37 (hg19) VCF-style: chr11-120984343-A-G.
Other names: c.1663A>G, p.Thr555Ala (NM_001378761.1); short protein forms T236A, T555A.
Identifiers: ClinVar variation 667333 (VCV000667333.9), dbSNP rs200752577, ClinGen allele CA229832347.
Genomic context (GRCh38, chr11:121,113,634, plus strand): 5'-CTCACCAATTTCTTCAGCCTCCCGGGGTCAAGAACCCCCGAGATCGTGAATATCCAGGAG[A>G]CCACAAACGTCAATGTTCCAGGCCGCTGGGCATTTAAAGTTGATGGAAAGGAAATTGACC-3'
Protein context (NP_005413.2, residues 226-246): RTPEIVNIQE[Thr236Ala]TNVNVPGRWA

ClinVar aggregate classification (germline): Uncertain significance. Review status: criteria provided, multiple submitters, no conflicts (2 of 4 stars). 3 submissions from 3 submitters: Uncertain significance (3). Last evaluated 2025-04-01.

Conditions:
Inborn genetic diseases. Identifiers: MedGen C0950123, MeSH D030342.

Allele frequency attached by ClinVar (database versions not stated): gnomAD 0.00001; TOPMed 0.00001; gnomAD exomes 0.00002.
gnomAD v4.1: 36 of 1,613,752 alleles (0.0022%); highest among the groups gnomAD compares: Non-Finnish European, 0.0031%; no homozygotes.

Submissions (3):

Ambry Genetics
Classification: Uncertain significance for Inborn genetic diseases. Last evaluated: 2025-04-01. Review status: criteria provided, single submitter. Criteria: Ambry Variant Classification Scheme 2023. Collection method: clinical testing. Allele origin: germline.

Labcorp Genetics (formerly Invitae), Labcorp
Classification: Uncertain significance. Last evaluated: 2024-01-04. Review status: criteria provided, single submitter. Criteria: Invitae Variant Classification Sherloc (09022015). Collection method: clinical testing. Allele origin: germline.
Comment: This sequence change replaces threonine, which is neutral and polar, with alanine, which is neutral and non-polar, at codon 236 of the TECTA protein (p.Thr236Ala). This variant is not present in population databases (gnomAD no frequency). This variant has not been reported in the literature in individuals affected with TECTA-related conditions. ClinVar contains an entry for this variant (Variation ID: 667333). Advanced modeling of protein sequence and biophysical properties (such as structural, functional, and spatial information, amino acid conservation, physicochemical variation, residue mobility, and thermodynamic stability) performed at Invitae indicates that this missense variant is not expected to disrupt TECTA protein function with a negative predictive value of 95%. In summary, the available evidence is currently insufficient to determine the role of this variant in disease. Therefore, it has been classified as a Variant of Uncertain Significance.

Laboratory for Molecular Medicine, Mass General Brigham Personalized Medicine
Classification: Uncertain significance. Last evaluated: 2019-06-11. Review status: criteria provided, single submitter. Criteria: LMM Criteria. Collection method: clinical testing. Allele origin: germline. Observed: 1 variant allele.
Comment: This variant was absent from large population studies. Computational prediction tools and conservation analysis suggest that this variant may impact the protein, though this information is not predictive enough to determine pathogenicity. In summary, the clinical significance of this variant is uncertain. ACMG/AMP Criteria applied: PM2, PP3.